The following is an entry in ClinVar:

NM_000090.4(COL3A1):c.74A>G (p.Gln25Arg)

Gene: COL3A1 (collagen type III alpha 1 chain; plus strand). Cytogenetic location: 2q32.2.
Variant type: single nucleotide variant.
Coding change: c.74A>G on transcript NM_000090.4 (MANE Select); coding-DNA position 74, A replaced by G.
Protein change: p.Gln25Arg; replaces glutamine 25 with arginine.
Molecular consequence: missense variant.
Genome position (GRCh38, 1-based): chr2:188,974,563, A>G. VCF-style: chr2-188974563-A-G. GRCh37 (hg19) VCF-style: chr2-189839289-A-G.
Other names: short protein forms Q25R.
Identifiers: ClinVar variation 925342 (VCV000925342.9), dbSNP rs748787122, ClinGen allele CA62577079.

ClinVar aggregate classification (germline): Uncertain significance. Review status: criteria provided, multiple submitters, no conflicts (2 of 4 stars). 2 submissions from 2 submitters: Uncertain significance (2). Last evaluated 2025-02-10.

Conditions:
Familial thoracic aortic aneurysm and aortic dissection (TAAD). Also called: Thoracic aortic aneurysms and dissections. Identifiers: Orphanet 91387, MedGen C4707243, MONDO:0019625.
Ehlers-Danlos syndrome, type 4 (EDSVASC). Also called: Ehlers-Danlos syndrome vascular type; Ehlers Danlos syndrome, ecchymotic type; Ehlers Danlos syndrome, arterial type; Ehlers Danlos syndrome, Sack-Barabas type; Ehlers-Danlos Syndrome Type IV. Identifiers: Orphanet 286, MedGen C0268338, MONDO:0017314, OMIM 130050.

gnomAD v4.1: 3 of 1,613,642 alleles (0.00019%); highest among the groups gnomAD compares: Non-Finnish European, 0.00025%; no homozygotes.

Submissions (2):

Color Diagnostics, LLC DBA Color Health
Classification: Uncertain significance for Familial thoracic aortic aneurysm and aortic dissection. Last evaluated: 2025-02-10. Review status: criteria provided, single submitter. Criteria: ACMG Guidelines, 2015. Collection method: clinical testing. Allele origin: germline.
Comment: This missense variant replaces glutamine with arginine at codon 25 of the COL3A1 protein. Computational prediction suggests that this variant may not impact protein structure and function. To our knowledge, functional studies have not been reported for this variant. This variant has been reported in an individual affected with lacunar stroke (PMID: 31719132). This variant has not been identified in the general population by the Genome Aggregation Database (gnomAD). The available evidence is insufficient to determine the role of this variant in disease conclusively. Therefore, this variant is classified as a Variant of Uncertain Significance.

Labcorp Genetics (formerly Invitae), Labcorp
Classification: Uncertain significance for Ehlers-Danlos syndrome, type 4. Last evaluated: 2024-06-12. Review status: criteria provided, single submitter. Criteria: Invitae Variant Classification Sherloc (09022015). Collection method: clinical testing. Allele origin: germline.
Comment: This sequence change replaces glutamine, which is neutral and polar, with arginine, which is basic and polar, at codon 25 of the COL3A1 protein (p.Gln25Arg). This variant is not present in population databases (gnomAD no frequency). This missense change has been observed in individual(s) with COL3A1-related conditions (PMID: 31719132). ClinVar contains an entry for this variant (Variation ID: 925342). Advanced modeling of protein sequence and biophysical properties (such as structural, functional, and spatial information, amino acid conservation, physicochemical variation, residue mobility, and thermodynamic stability) performed at Invitae indicates that this missense variant is not expected to disrupt COL3A1 protein function with a negative predictive value of 95%. In summary, the available evidence is currently insufficient to determine the role of this variant in disease. Therefore, it has been classified as a Variant of Uncertain Significance.

Literature cited by the submitters: PubMed 31719132 (cited by Color Diagnostics, LLC DBA Color Health and Labcorp Genetics (formerly Invitae), Labcorp).